The following is an entry in ClinVar:

NM_001035.3(RYR2):c.4269G>A (p.Thr1423=)

Gene: RYR2 (ryanodine receptor 2; plus strand). Cytogenetic location: 1q43.
Variant type: single nucleotide variant.
Coding change: c.4269G>A on transcript NM_001035.3 (MANE Select); coding-DNA position 4269, G replaced by A.
Protein change: p.Thr1423=; no amino-acid change (threonine 1423 retained).
Molecular consequence: synonymous variant.
Genome position (GRCh38, 1-based): chr1:237,591,847, G>A. VCF-style: chr1-237591847-G-A. GRCh37 (hg19) VCF-style: chr1-237755147-G-A.
Other names: c.4269G>A (NM_001035.2).
Identifiers: ClinVar variation 923231 (VCV000923231.15), dbSNP rs1342902406, ClinGen allele CA423819895.

ClinVar aggregate classification (germline): Likely benign. Review status: criteria provided, multiple submitters, no conflicts (2 of 4 stars). 4 submissions from 4 submitters: Likely benign (4). Last evaluated 2023-12-13.

Conditions:
Cardiovascular phenotype. Identifiers: MedGen CN230736.
Catecholaminergic polymorphic ventricular tachycardia (CVPT). Also called: Catecholamine-induced polymorphic ventricular tachycardia. Identifiers: Orphanet 3286, MedGen C5574922, MONDO:0017990.
Cardiomyopathy (CMYO). Also called: Cardiomyopathies. Identifiers: Orphanet 167848, MedGen C0878544, MONDO:0004994, HP:0001638. Inheritance: Various modes of inheritance.
Catecholaminergic polymorphic ventricular tachycardia 1. Also called: VENTRICULAR TACHYCARDIA, CATECHOLAMINERGIC POLYMORPHIC, 1, WITH OR WITHOUT ATRIAL DYSFUNCTION AND/OR DILATED CARDIOMYOPATHY; RYR2-Related Catecholaminergic Polymorphic Ventricular Tachycardia; VENTRICULAR TACHYCARDIA, STRESS-INDUCED POLYMORPHIC 1. Identifiers: Orphanet 3286, MedGen C1631597, MONDO:0011484, OMIM 604772.

Allele frequency attached by ClinVar (database versions not stated): gnomAD exomes below 0.00001 and 0.00003.
gnomAD v4.1: 45 of 1,611,262 alleles (0.0028%); highest among the groups gnomAD compares: Non-Finnish European, 0.0034%; no homozygotes.

Submissions (4):

All of Us Research Program, National Institutes of Health
Classification: Likely benign for Catecholaminergic polymorphic ventricular tachycardia. Last evaluated: 2023-12-13. Review status: criteria provided, single submitter. Criteria: ACMG Guidelines, 2015. Collection method: clinical testing. Allele origin: germline. Inheritance: Autosomal dominant inheritance. Observed: 4 variant alleles, 4 heterozygotes.
Comment: This study involves interpretation of variants in research participants for the purpose of population health screening. Participant phenotype was not available at the time of variant classification. Additional details can be found in publication PMID: 35346344, PMCID: PMC8962531

Labcorp Genetics (formerly Invitae), Labcorp
Classification: Likely benign for Catecholaminergic polymorphic ventricular tachycardia 1. Last evaluated: 2023-04-07. Review status: criteria provided, single submitter. Criteria: Invitae Variant Classification Sherloc (09022015). Collection method: clinical testing. Allele origin: germline.

Ambry Genetics
Classification: Likely benign for Cardiovascular phenotype. Last evaluated: 2019-03-28. Review status: criteria provided, single submitter. Criteria: Ambry Variant Classification Scheme 2023. Collection method: clinical testing. Allele origin: germline.

Color Diagnostics, LLC DBA Color Health
Classification: Likely benign for Cardiomyopathy. Last evaluated: 2019-01-20. Review status: criteria provided, single submitter. Criteria: ACMG Guidelines, 2015. Collection method: clinical testing. Allele origin: germline.